The following is an entry in ClinVar:

NM_002468.5(MYD88):c.80T>C (p.Met27Thr)

Gene: MYD88 (MYD88 innate immune signal transduction adaptor; plus strand). Cytogenetic location: 3p22.2.
Variant type: single nucleotide variant.
Coding change: c.80T>C on transcript NM_002468.5 (MANE Select); coding-DNA position 80, T replaced by C.
Protein change: p.Met27Thr; replaces methionine 27 with threonine.
Molecular consequence: missense variant.
Genome position (GRCh38, 1-based): chr3:38,138,780, T>C. VCF-style: chr3-38138780-T-C. GRCh37 (hg19) VCF-style: chr3-38180271-T-C.
Other names: c.80T>C, p.Met27Thr (NM_001172566.2, NM_001172567.2, NM_001172568.2 and 3 more transcripts); short protein forms M27T.
Identifiers: ClinVar variation 134871 (VCV000134871.13), dbSNP rs201871349, ClinGen allele CA160960.

ClinVar aggregate classification (germline): Benign. Review status: criteria provided, single submitter (1 of 4 stars). 3 submissions from 3 submitters: Benign (1). 2 of the submissions do not count toward it. Last evaluated 2026-01-26.

Conditions:
MYD88-related disorder. Also called: MYD88-related condition.
Pyogenic bacterial infections due to MyD88 deficiency (IMD68). Also called: PYOGENIC BACTERIAL INFECTIONS, RECURRENT, DUE TO MYD88 DEFICIENCY. Identifiers: Orphanet 183713, MedGen C2677092, MONDO:0012839, OMIM 612260.

Allele frequency attached by ClinVar (database versions not stated): 1000 Genomes Project 30x 0.00016; 1000 Genomes Project 0.00020; ExAC 0.00027; gnomAD exomes 0.00030 and 0.00125; TOPMed 0.00304; gnomAD 0.00351 and 0.00372.

Submissions (3):

Labcorp Genetics (formerly Invitae), Labcorp
Classification: Benign for Pyogenic bacterial infections due to MyD88 deficiency. Last evaluated: 2026-01-26. Review status: criteria provided, single submitter. Criteria: Invitae Variant Classification Sherloc (09022015). Collection method: clinical testing. Allele origin: germline.

PreventionGenetics, part of Exact Sciences
Classification: Benign for MYD88-related condition. Last evaluated: 2021-02-15. Review status: no assertion criteria provided. Collection method: clinical testing. Allele origin: germline. Not counted in ClinVar's aggregate classification.
Comment: This variant is classified as benign based on ACMG/AMP sequence variant interpretation guidelines (Richards et al. 2015 PMID: 25741868, with internal and published modifications).

ITMI
No classification provided. Condition: AllHighlyPenetrant. Last evaluated: 2013-09-19. Review status: no classification provided. Collection method: reference population. Allele origin: germline. Not counted in ClinVar's aggregate classification.
Comment: Please see associated publication for description of ethnicities

Literature cited by the submitters: PubMed 24728327 (cited by ITMI).